The following is an entry in ClinVar:

ClinVar aggregate classification (germline): Uncertain significance (1 of 4 stars; one submission).

gnomAD v4.1: 16 of 1,614,112 alleles (0.00099%); highest among the groups gnomAD compares: South Asian, 0.018%; no homozygotes.

Submission:

Labcorp Genetics (formerly Invitae), Labcorp
Classification: Uncertain significance. Last evaluated: 2025-12-25. Review status: criteria provided, single submitter. Criteria: Invitae Variant Classification Sherloc (09022015). Collection method: clinical testing. Allele origin: germline.
Comment: This sequence change replaces glycine, which is neutral and non-polar, with glutamic acid, which is acidic and polar, at codon 72 of the FOXRED1 protein (p.Gly72Glu). This variant is present in population databases (rs772430244, gnomAD 0.01%). This variant has not been reported in the literature in individuals affected with FOXRED1-related conditions. Invitae Evidence Modeling of protein sequence and biophysical properties (such as structural, functional, and spatial information, amino acid conservation, physicochemical variation, residue mobility, and thermodynamic stability) indicates that this missense variant is expected to disrupt FOXRED1 protein function with a positive predictive value of 80%. Algorithms developed to predict the effect of sequence changes on RNA splicing suggest that this variant may create or strengthen a splice site. In summary, the available evidence is currently insufficient to determine the role of this variant in disease. Therefore, it has been classified as a Variant of Uncertain Significance.

NM_017547.4(FOXRED1):c.215G>A (p.Gly72Glu)

Gene: FOXRED1 (FAD dependent oxidoreductase domain containing 1; plus strand). Cytogenetic location: 11q24.2.
Variant type: single nucleotide variant.
Coding change: c.215G>A on transcript NM_017547.4 (MANE Select); coding-DNA position 215, G replaced by A.
Protein change: p.Gly72Glu; replaces glycine 72 with glutamic acid.
Molecular consequence: missense variant. On other transcripts: 5 prime UTR variant (5), non-coding transcript variant (2), intron variant (3).
Genome position (GRCh38, 1-based): chr11:126,271,566, G>A. VCF-style: chr11-126271566-G-A. GRCh37 (hg19) VCF-style: chr11-126141461-G-A.
Other names: c.215G>A, p.Gly72Glu (NM_001425160.1, NM_001425161.1, NM_001425163.1 and 4 more transcripts); c.-316G>A (NM_001425169.1); c.-296G>A (NM_001425170.1); c.-343G>A (NM_001425171.1); c.-324G>A (NM_001425174.1, NM_001425175.1); c.-204-1403G>A (NM_001425168.1); c.-251-1403G>A (NM_001425172.1); c.-232-1403G>A (NM_001425173.1); short protein forms G72E.
Identifiers: ClinVar variation 4703821 (VCV004703821.1).